The following is an entry in ClinVar:

ClinVar aggregate classification (germline): Uncertain significance. Review status: criteria provided, single submitter (1 of 4 stars). 2 submissions from 2 submitters: Uncertain significance (1). 1 of the submissions does not count toward it. Last evaluated 2017-10-20.

Conditions:
EHHADH-related disorder. Also called: EHHADH-related condition.

Allele frequency attached by ClinVar (database versions not stated): 1000 Genomes Project 30x 0.00031; gnomAD exomes 0.00003; gnomAD 0.00005; ESP Exome Variant Server 0.00008; ExAC 0.00004; 1000 Genomes Project 0.00020; TOPMed 0.00005.
gnomAD v4.1: 92 of 1,613,574 alleles (0.0057%); highest among the groups gnomAD compares: Non-Finnish European, 0.0071%; no homozygotes.

Submissions (2):

Eurofins Ntd Llc (ga)
Classification: Uncertain significance. Last evaluated: 2017-10-20. Review status: criteria provided, single submitter. Criteria: EGL Classification Definitions 2015. Collection method: clinical testing. Allele origin: germline. Observed: 1 variant allele, 1 heterozygote.

PreventionGenetics, part of Exact Sciences
Classification: Uncertain significance for EHHADH-related condition. Last evaluated: 2024-05-28. Review status: no assertion criteria provided. Collection method: clinical testing. Allele origin: germline. Not counted in ClinVar's aggregate classification.
Comment: The EHHADH c.607A>G variant is predicted to result in the amino acid substitution p.Ile203Val. To our knowledge, this variant has not been reported in the literature. This variant is reported in 0.0058% of alleles in individuals of Latino descent in gnomAD. At this time, the clinical significance of this variant is uncertain due to the absence of conclusive functional and genetic evidence.

NM_001966.4(EHHADH):c.607A>G (p.Ile203Val)

Gene: EHHADH (enoyl-CoA hydratase and 3-hydroxyacyl CoA dehydrogenase; minus strand). Cytogenetic location: 3q27.2.
Variant type: single nucleotide variant.
Coding change: c.607A>G on transcript NM_001966.4 (MANE Select); coding-DNA position 607, A replaced by G.
Protein change: p.Ile203Val; replaces isoleucine 203 with valine.
Molecular consequence: missense variant.
Genome position (GRCh38, 1-based): chr3:185,204,719, T>C on the plus strand (A>G on the coding strand, the complement: EHHADH is on the minus strand). VCF-style: chr3-185204719-T-C. GRCh37 (hg19) VCF-style: chr3-184922507-T-C.
Other names: c.319A>G, p.Ile107Val (NM_001166415.2); c.607A>G (NM_001966.3); short protein forms I203V, I107V.
Identifiers: ClinVar variation 594680 (VCV000594680.7), dbSNP rs199689303, ClinGen allele CA2739165.
Genomic context (GRCh38, chr3:185,204,719, plus strand): 5'-GCCTCCGCATCTTCAAGAGGGCCTCACTAAAAATGCTGTCCATGTTGGGCAAGCTCTGAA[T>C]TGGCTTGTTGCAGAGTCTACGGGATTCTAGAGGTTGATCTGAAAGGAATAAGAAGGATCA-3'
Protein context (NP_001957.2, residues 193-213): LESRRLCNKP[Ile203Val]QSLPNMDSIF